The following is an entry in ClinVar:

NM_024675.4(PALB2):c.313G>T (p.Glu105Ter)

Gene: PALB2 (partner and localizer of BRCA2; minus strand). Cytogenetic location: 16p12.2.
Variant type: single nucleotide variant.
Coding change: c.313G>T on transcript NM_024675.4 (MANE Select); coding-DNA position 313, G replaced by T.
Protein change: p.Glu105Ter; replaces glutamic acid 105 with a stop codon.
Molecular consequence: nonsense. On other transcripts: 5 prime UTR variant (8), intron variant (3).
Genome position (GRCh38, 1-based): chr16:23,636,233, C>A on the plus strand (G>T on the coding strand, the complement: PALB2 is on the minus strand). VCF-style: chr16-23636233-C-A. GRCh37 (hg19) VCF-style: chr16-23647554-C-A.
Other names: c.313G>T, p.Glu105Ter (NM_001407297.1, NM_001407298.1, NM_001407299.1 and 3 more transcripts); c.253G>T, p.Glu85Ter (NM_001407296.1); c.-573G>T (NM_001407304.1, NM_001407305.1, NM_001407306.1 and 5 more transcripts); c.48+4877G>T (NM_001407314.1); c.-105+4877G>T (NM_001407313.1, NM_001407312.1); short protein forms E105*, E85*.
Identifiers: ClinVar variation 2673854 (VCV002673854.1), dbSNP rs1307895700, ClinGen allele CA395138778.
Genomic context (GRCh38, chr16:23,636,233, plus strand): 5'-GGGTGTCATCTGTTCTTTGTATAGGTAATCCTCCTGGGCCATCTCCAGGGTTAAAGGACT[C>A]AGGCCCAACATCAAGTGTGATAGATGTCTTTTCTCCAGTTTCTTCATCAAGATGGGTTTT-3'

ClinVar aggregate classification (germline): Pathogenic (1 of 4 stars; one submission).

Conditions:
Familial cancer of breast. Also called: Hereditary breast cancer; BREAST CANCER, FAMILIAL; hereditary breast carcinoma. Identifiers: Orphanet 227535, MedGen C0346153, MONDO:0016419, OMIM 114480. Disease mechanism: loss of function.

Submission:

Myriad Genetics, Inc.
Classification: Pathogenic for Familial cancer of breast. Last evaluated: 2023-09-06. Review status: criteria provided, single submitter. Criteria: Myriad Autosomal Dominant, Autosomal Recessive and X-Linked Classification Criteria (2023). Collection method: clinical testing. Allele origin: unknown.
Comment: This variant is considered pathogenic. This variant creates a termination codon and is predicted to result in premature protein truncation.